The following is an entry in ClinVar:

ClinVar aggregate classification (germline): Uncertain significance. Review status: criteria provided, multiple submitters, no conflicts (2 of 4 stars). 2 submissions from 2 submitters: Uncertain significance (2). Last evaluated 2025-04-10.

Conditions:
Inborn genetic diseases. Identifiers: MedGen C0950123, MeSH D030342.

Allele frequency attached by ClinVar (database versions not stated): TOPMed below 0.00001; gnomAD exomes below 0.00001.
gnomAD v4.1: 2 of 1,614,088 alleles (0.00012%); highest among the groups gnomAD compares: Admixed American, 0.0033%; no homozygotes.

Submissions (2):

Ambry Genetics
Classification: Uncertain significance for Inborn genetic diseases. Last evaluated: 2025-04-10. Review status: criteria provided, single submitter. Criteria: Ambry Variant Classification Scheme 2023. Collection method: clinical testing. Allele origin: germline.

Labcorp Genetics (formerly Invitae), Labcorp
Classification: Uncertain significance. Last evaluated: 2022-07-19. Review status: criteria provided, single submitter. Criteria: Invitae Variant Classification Sherloc (09022015). Collection method: clinical testing. Allele origin: germline.
Comment: In summary, the available evidence is currently insufficient to determine the role of this variant in disease. Therefore, it has been classified as a Variant of Uncertain Significance. Advanced modeling of protein sequence and biophysical properties (such as structural, functional, and spatial information, amino acid conservation, physicochemical variation, residue mobility, and thermodynamic stability) performed at Invitae indicates that this missense variant is not expected to disrupt CSF1R protein function. This variant has not been reported in the literature in individuals affected with CSF1R-related conditions. This variant is present in population databases (no rsID available, gnomAD 0.006%). This sequence change replaces valine, which is neutral and non-polar, with glycine, which is neutral and non-polar, at codon 325 of the CSF1R protein (p.Val325Gly).

NM_001288705.3(CSF1R):c.974T>G (p.Val325Gly)

Gene: CSF1R (colony stimulating factor 1 receptor; minus strand). Cytogenetic location: 5q32.
Variant type: single nucleotide variant.
Coding change: c.974T>G on transcript NM_001288705.3 (MANE Select); coding-DNA position 974, T replaced by G.
Protein change: p.Val325Gly; replaces valine 325 with glycine.
Molecular consequence: missense variant. On other transcripts: non-coding transcript variant (2).
Genome position (GRCh38, 1-based): chr5:150,073,409, A>C on the plus strand (T>G on the coding strand, the complement: CSF1R is on the minus strand). VCF-style: chr5-150073409-A-C. GRCh37 (hg19) VCF-style: chr5-149452972-A-C.
Other names: c.974T>G, p.Val325Gly (NM_001349736.2, NM_001375320.1, NM_005211.4); c.530T>G, p.Val177Gly (NM_001375321.1); c.974T>G (NM_005211.3); short protein forms V177G, V325G.
Identifiers: ClinVar variation 1940478 (VCV001940478.6), dbSNP rs1236706738, ClinGen allele CA361724765.